The following is an entry in ClinVar:

ClinVar aggregate classification (germline): Uncertain significance (1 of 4 stars; one submission).

Allele frequency attached by ClinVar (database versions not stated): TOPMed below 0.00001.
gnomAD v4.1: 1 of 1,614,040 alleles (0.000062%); no homozygotes.

Submission:

GeneDx
Classification: Uncertain significance. Last evaluated: 2023-03-29. Review status: criteria provided, single submitter. Criteria: GeneDx Variant Classification Process June 2021. Collection method: clinical testing. Allele origin: germline. Affected: yes.
Comment: Not observed at significant frequency in large population cohorts (gnomAD); In silico analysis supports that this missense variant does not alter protein structure/function; Has not been previously published as pathogenic or benign to our knowledge

NM_000459.5(TEK):c.2161A>G (p.Ser721Gly)

Gene: TEK (TEK receptor tyrosine kinase; plus strand). Cytogenetic location: 9p21.2.
Variant type: single nucleotide variant.
Coding change: c.2161A>G on transcript NM_000459.5 (MANE Select); coding-DNA position 2161, A replaced by G.
Protein change: p.Ser721Gly; replaces serine 721 with glycine.
Molecular consequence: missense variant.
Genome position (GRCh38, 1-based): chr9:27,203,071, A>G. VCF-style: chr9-27203071-A-G. GRCh37 (hg19) VCF-style: chr9-27203069-A-G.
Other names: c.2032A>G, p.Ser678Gly (NM_001290077.2, NM_001375476.1); c.1720A>G, p.Ser574Gly (NM_001290078.2); c.2161A>G, p.Ser721Gly (NM_001375475.1); short protein forms S574G, S678G, S721G.
Identifiers: ClinVar variation 2662500 (VCV002662500.1), dbSNP rs1825277522, ClinGen allele CA373117053.
Genomic context (GRCh38, chr9:27,203,071, plus strand): 5'-GGCCTAGAGCCTGAAACAGCATACCAGGTGGACATTTTTGCAGAGAACAACATAGGGTCA[A>G]GCAACCCAGCCTTTTCTCATGAACTGGTGACCCTCCCAGAATCTCAAGGTTGGTTGAATG-3'
Protein context (NP_000450.3, residues 711-731): DIFAENNIGS[Ser721Gly]NPAFSHELVT